The following is an entry in ClinVar:

ClinVar aggregate classification (germline): Uncertain significance (1 of 4 stars; one submission).

Submission:

Dasa
Classification: Uncertain significance. Last evaluated: 2025-12-17. Review status: criteria provided, single submitter. Criteria: DASA Assertion Criteria. Collection method: clinical testing. Allele origin: germline.
Comment: NM_000944.5(PPP3CA):c.1525G>C (p.Gly509Arg) is a missense variant that results in the substitution of glycine with arginine. This variant is absent from population databases. The currently available literature and clinical evidence are not sufficient to establish a definitive association between this variant and the reported condition. Therefore, this variant is classified as a variant of uncertain significance.

NM_000944.5(PPP3CA):c.1525G>C (p.Gly509Arg)

Gene: PPP3CA (protein phosphatase 3 catalytic subunit alpha; minus strand). Cytogenetic location: 4q24.
Variant type: single nucleotide variant.
Coding change: c.1525G>C on transcript NM_000944.5 (MANE Select); coding-DNA position 1525, G replaced by C.
Protein change: p.Gly509Arg; replaces glycine 509 with arginine.
Molecular consequence: missense variant.
Genome position (GRCh38, 1-based): chr4:101,025,906, C>G on the plus strand (G>C on the coding strand, the complement: PPP3CA is on the minus strand). VCF-style: chr4-101025906-C-G. GRCh37 (hg19) VCF-style: chr4-101947063-C-G.
Other names: c.1495G>C, p.Gly499Arg (NM_001130691.2); c.1369G>C, p.Gly457Arg (NM_001130692.2); short protein forms G457R, G499R, G509R.
Identifiers: ClinVar variation 4886687 (VCV004886687.2).